The following is an entry in ClinVar:

NM_032043.3(BRIP1):c.1700A>G (p.Lys567Arg)

Gene: BRIP1 (BRCA1 interacting DNA helicase 1; minus strand). Cytogenetic location: 17q23.2.
Variant type: single nucleotide variant.
Coding change: c.1700A>G on transcript NM_032043.3 (MANE Select); coding-DNA position 1700, A replaced by G.
Protein change: p.Lys567Arg; replaces lysine 567 with arginine.
Molecular consequence: missense variant.
Genome position (GRCh38, 1-based): chr17:61,780,934, T>C on the plus strand (A>G on the coding strand, the complement: BRIP1 is on the minus strand). VCF-style: chr17-61780934-T-C. GRCh37 (hg19) VCF-style: chr17-59858295-T-C.
Other names: short protein forms K567R.
Identifiers: ClinVar variation 1320445 (VCV001320445.2), dbSNP rs2145094607, ClinGen allele CA400480435.

ClinVar aggregate classification (germline): Uncertain significance (1 of 4 stars; one submission).

Allele frequency attached by ClinVar (database versions not stated): gnomAD exomes below 0.00001.
gnomAD v4.1: 3 of 1,614,120 alleles (0.00019%); highest among the groups gnomAD compares: South Asian, 0.0011%; no homozygotes.

Submission:

GeneDx
Classification: Uncertain significance. Last evaluated: 2020-01-13. Review status: criteria provided, single submitter. Criteria: GeneDx Variant Classification Process June 2021. Collection method: clinical testing. Allele origin: germline. Affected: yes.
Comment: Not observed in large population cohorts (Lek 2016); In silico analysis, which includes protein predictors and evolutionary conservation, supports that this variant does not alter protein structure/function; Has not been previously published as pathogenic or benign to our knowledge